The following is an entry in ClinVar:

ClinVar aggregate classification (germline): Uncertain significance. Review status: criteria provided, multiple submitters, no conflicts (2 of 4 stars). 3 submissions from 3 submitters: Uncertain significance (3). Last evaluated 2022-11-01.

Conditions:
Wilson disease (WND). Also called: Wilson's disease. Identifiers: Orphanet 905, MedGen C0019202, MONDO:0010200, OMIM 277900. Disease mechanism: loss of function.

Submissions (3):

Labcorp Genetics (formerly Invitae), Labcorp
Classification: Uncertain significance for Wilson disease. Last evaluated: 2022-11-01. Review status: criteria provided, single submitter. Criteria: Invitae Variant Classification Sherloc (09022015). Collection method: clinical testing. Allele origin: germline.
Comment: This sequence change replaces glutamic acid, which is acidic and polar, with aspartic acid, which is acidic and polar, at codon 385 of the ATP7B protein (p.Glu385Asp). This variant is not present in population databases (gnomAD no frequency). This variant has not been reported in the literature in individuals affected with ATP7B-related conditions. ClinVar contains an entry for this variant (Variation ID: 663268). Advanced modeling of protein sequence and biophysical properties (such as structural, functional, and spatial information, amino acid conservation, physicochemical variation, residue mobility, and thermodynamic stability) performed at Invitae indicates that this missense variant is not expected to disrupt ATP7B protein function. In summary, the available evidence is currently insufficient to determine the role of this variant in disease. Therefore, it has been classified as a Variant of Uncertain Significance.

Genome-Nilou Lab
Classification: Uncertain significance for Wilson disease. Last evaluated: 2021-09-05. Review status: criteria provided, single submitter. Criteria: ACMG Guidelines, 2015. Collection method: clinical testing. Allele origin: germline. Affected: no.

Illumina Laboratory Services, Illumina
Classification: Uncertain significance for Wilson disease. Last evaluated: 2018-01-12. Review status: criteria provided, single submitter. Criteria: ICSL Variant Classification Criteria 13 December 2019. Collection method: clinical testing. Allele origin: germline.

NM_000053.4(ATP7B):c.1155A>C (p.Glu385Asp)

Gene: ATP7B (ATPase copper transporting beta; minus strand). Cytogenetic location: 13q14.3.
Variant type: single nucleotide variant.
Coding change: c.1155A>C on transcript NM_000053.4 (MANE Select); coding-DNA position 1155, A replaced by C.
Protein change: p.Glu385Asp; replaces glutamic acid 385 with aspartic acid.
Molecular consequence: missense variant.
Genome position (GRCh38, 1-based): chr13:51,974,065, T>G on the plus strand (A>C on the coding strand, the complement: ATP7B is on the minus strand). VCF-style: chr13-51974065-T-G. GRCh37 (hg19) VCF-style: chr13-52548201-T-G.
Other names: c.1155A>C, p.Glu385Asp (NM_001005918.3, NM_001330578.2, NM_001330579.2); c.822A>C, p.Glu274Asp (NM_001243182.2); short protein forms E274D, E385D.
Identifiers: ClinVar variation 663268 (VCV000663268.11), dbSNP rs1593787847, ClinGen allele CA388038678.
Genomic context (GRCh38, chr13:51,974,065, plus strand): 5'-GGGATTATAAAGAACTGTTGCAGTCCCTTCGGCCAAAGACACCGATATTTGCTGCACCCC[T>G]TCCAGTTGGGAGATCATGCCTTCAATGGAATGGACACAGGATGCACAGGTCATGCCGGCA-3'
Protein context (NP_000044.2, residues 375-395): HSIEGMISQL[Glu385Asp]GVQQISVSLA